The following is an entry in ClinVar:

ClinVar aggregate classification (germline): Likely benign. Review status: criteria provided, multiple submitters, no conflicts (2 of 4 stars). 2 submissions from 2 submitters: Likely benign (2). Last evaluated 2025-07-08.

Conditions:
Lung cancer. Also called: Malignant tumor of lung; Lung cancer, somatic. Identifiers: MedGen C0242379, MONDO:0008903, OMIM 211980.
EGFR-related lung cancer (EGFR). Identifiers: MedGen CN130014.

gnomAD v4.1: 1 of 1,614,162 alleles (0.000062%); highest among the groups gnomAD compares: Admixed American, 0.0017%; no homozygotes.

Submissions (2):

Labcorp Genetics (formerly Invitae), Labcorp
Classification: Likely benign for EGFR-related lung cancer. Last evaluated: 2025-07-08. Review status: criteria provided, single submitter. Criteria: Invitae Variant Classification Sherloc (09022015). Collection method: clinical testing. Allele origin: germline.

Myriad Genetics, Inc.
Classification: Likely benign for Lung cancer. Last evaluated: 2024-10-16. Review status: criteria provided, single submitter. Criteria: Myriad Autosomal Dominant, Autosomal Recessive and X-Linked Classification Criteria (2023). Collection method: clinical testing. Allele origin: unknown.
Comment: This variant is considered likely benign. This variant is intronic and is not expected to impact mRNA splicing.

NM_005228.5(EGFR):c.2184+8C>T

Gene: EGFR (epidermal growth factor receptor; plus strand). Cytogenetic location: 7p11.2.
Variant type: single nucleotide variant.
Coding change: c.2184+8C>T on transcript NM_005228.5 (MANE Select); 8 bases into the intron after coding-DNA position 2184, C replaced by T.
Molecular consequence: intron variant.
Genome position (GRCh38, 1-based): chr7:55,174,051, C>T. VCF-style: chr7-55174051-C-T. GRCh37 (hg19) VCF-style: chr7-55241744-C-T.
Other names: c.2049+8C>T (NM_001346899.2, NM_001346897.2); c.1383+8C>T (NM_001346941.2); c.2184+8C>T (NM_001346898.2); c.2025+8C>T (NM_001346900.2).
Identifiers: ClinVar variation 1933970 (VCV001933970.6), dbSNP rs1322299139, ClinGen allele CA574335305.